The following is an entry in ClinVar:

ClinVar aggregate classification (germline): Uncertain significance (1 of 4 stars; one submission).

Submission:

Labcorp Genetics (formerly Invitae), Labcorp
Classification: Uncertain significance. Last evaluated: 2022-05-20. Review status: criteria provided, single submitter. Criteria: Invitae Variant Classification Sherloc (09022015). Collection method: clinical testing. Allele origin: germline.
Comment: In summary, the available evidence is currently insufficient to determine the role of this variant in disease. Therefore, it has been classified as a Variant of Uncertain Significance. Algorithms developed to predict the effect of sequence changes on RNA splicing suggest that this variant may disrupt the consensus splice site. This variant has not been reported in the literature in individuals affected with ADGRA3-related conditions. This variant is not present in population databases (gnomAD no frequency). This sequence change creates a premature translational stop signal (p.Arg210Cysfs*4) in the ADGRA3 gene. It is expected to result in an absent or disrupted protein product. However, the current clinical and genetic evidence is not sufficient to establish whether loss-of-function variants in ADGRA3 cause disease.

NM_145290.4(ADGRA3):c.627_640del (p.Arg210fs)

Gene: ADGRA3 (adhesion G protein-coupled receptor A3; minus strand). Cytogenetic location: 4p15.2.
Variant type: Deletion.
Coding change: c.627_640del on transcript NM_145290.4 (MANE Select); coding-DNA positions 627 to 640, 14 bases deleted (ACGGGATACCAGGT).
Protein change: p.Arg210fs; shifts the reading frame from arginine 210.
Molecular consequence: frameshift variant.
Genome position (GRCh38, 1-based): chr4:22,445,039-22,445,052, ACCTGGTATCCCGT deleted on the plus strand (ACGGGATACCAGGT on the coding strand, the reverse complement: ADGRA3 is on the minus strand); deleting any 14 consecutive bases within chr4:22,445,039-22,445,055 gives the same sequence; the c. name uses the placement nearest the transcript's 3' end. VCF-style (leftmost placement, unchanged base first): chr4-22445038-CACCTGGTATCCCGT-C. GRCh37 (hg19) VCF-style: chr4-22446661-CACCTGGTATCCCGT-C.
Other names: short protein forms R210fs.
Identifiers: ClinVar variation 1996851 (VCV001996851.4), dbSNP rs2474800583, ClinGen allele CA2580070958.